The following is an entry in ClinVar:

ClinVar aggregate classification (germline): Benign/Likely benign. Review status: criteria provided, multiple submitters, no conflicts (2 of 4 stars). 2 submissions from 2 submitters: Benign (1); Likely benign (1). Last evaluated 2024-12-30.

Conditions:
Hereditary cancer-predisposing syndrome. Also called: Neoplastic Syndromes, Hereditary; Tumor predisposition; Hereditary Cancer Syndrome; Hereditary neoplastic syndrome. Identifiers: Orphanet 140162, MedGen C0027672, MeSH D009386, MONDO:0015356.
Lynch syndrome 5 (LYNCH5). Also called: Colorectal cancer, hereditary nonpolyposis, type 5; Hereditary non-polyposis colorectal cancer, type 5. Identifiers: Orphanet 144, MedGen C1833477, MONDO:0013710, OMIM 614350. Disease mechanism: loss of function.

Allele frequency attached by ClinVar (database versions not stated): gnomAD exomes below 0.00001.
gnomAD v4.1: 3 of 1,614,186 alleles (0.00019%); highest among the groups gnomAD compares: Non-Finnish European, 0.00025%; no homozygotes.

Submissions (2):

Myriad Genetics, Inc.
Classification: Benign for Lynch syndrome 5. Last evaluated: 2024-12-30. Review status: criteria provided, single submitter. Criteria: Myriad Autosomal Dominant, Autosomal Recessive and X-Linked Classification Criteria (2023). Collection method: clinical testing. Allele origin: unknown.
Comment: This variant is considered benign. This variant is a silent/synonymous amino acid change and it is not expected to impact splicing.

Ambry Genetics
Classification: Likely benign for Hereditary cancer-predisposing syndrome. Last evaluated: 2019-06-20. Review status: criteria provided, single submitter. Criteria: Ambry Variant Classification Scheme 2023. Collection method: clinical testing. Allele origin: germline.

NM_000179.3(MSH6):c.2127T>C (p.Tyr709=)

Gene: MSH6 (mutS homolog 6; plus strand). Cytogenetic location: 2p16.3.
Variant type: single nucleotide variant.
Coding change: c.2127T>C on transcript NM_000179.3 (MANE Select); coding-DNA position 2127, T replaced by C.
Protein change: p.Tyr709=; no amino-acid change (tyrosine 709 retained).
Molecular consequence: synonymous variant. On other transcripts: non-coding transcript variant (5), intron variant (2).
Genome position (GRCh38, 1-based): chr2:47,800,110, T>C. VCF-style: chr2-47800110-T-C. GRCh37 (hg19) VCF-style: chr2-48027249-T-C.
Other names: c.1737T>C, p.Tyr579= (NM_001281492.2); c.1221T>C, p.Tyr407= (NM_001281493.2, NM_001281494.2, NM_001406811.1 and 6 more transcripts); c.2223T>C, p.Tyr741= (NM_001406795.1, NM_001406802.1); c.2127T>C, p.Tyr709= (NM_001406796.1, NM_001406798.1, NM_001406800.1 and 3 more transcripts); c.1830T>C, p.Tyr610= (NM_001406797.1, NM_001406801.1, NM_001406805.1 and 10 more transcripts); c.1602T>C, p.Tyr534= (NM_001406799.1, NM_001406806.1, NM_001406807.1); c.2049T>C, p.Tyr683= (NM_001406804.1); c.2133T>C, p.Tyr711= (NM_001406813.1); and 3 more.
Identifiers: ClinVar variation 1786342 (VCV001786342.3), dbSNP rs587779232, ClinGen allele CA426121563.